The following is an entry in ClinVar:

NM_015386.3(COG4):c.2197C>T (p.Arg733Trp)

Gene: COG4 (component of oligomeric golgi complex 4; minus strand). Cytogenetic location: 16q22.1.
Variant type: single nucleotide variant.
Coding change: c.2197C>T on transcript NM_015386.3 (MANE Select); coding-DNA position 2197, C replaced by T.
Protein change: p.Arg733Trp; replaces arginine 733 with tryptophan.
Molecular consequence: missense variant. On other transcripts: non-coding transcript variant (1).
Genome position (GRCh38, 1-based): chr16:70,481,397, G>A on the plus strand (C>T on the coding strand, the complement: COG4 is on the minus strand). VCF-style: chr16-70481397-G-A. GRCh37 (hg19) VCF-style: chr16-70515300-G-A.
Other names: R729W; c.2122C>T, p.Arg708Trp (NM_001195139.2); c.1771C>T, p.Arg591Trp (NM_001365426.1); short protein forms R733W, R591W, R708W.
Identifiers: ClinVar variation 3652 (VCV000003652.9), dbSNP rs267606740, ClinGen allele CA252853.

ClinVar aggregate classification (germline): Pathogenic/Likely pathogenic. Review status: criteria provided, multiple submitters, no conflicts (2 of 4 stars). 3 submissions from 3 submitters: Pathogenic (1); Likely pathogenic (1). 1 of the submissions does not count toward it. Last evaluated 2024-12-11.

Conditions:
COG4-congenital disorder of glycosylation. Also called: CONGENITAL DISORDER OF GLYCOSYLATION, TYPE IIj; CDG IIj; COG4-CDG. Identifiers: Orphanet 263501, MedGen C4303552, MONDO:0013281, OMIM 613489.

Allele frequency attached by ClinVar (database versions not stated): ExAC 0.00001; gnomAD 0.00001 and 0.00002; gnomAD exomes 0.00001 and 0.00002; TOPMed 0.00002.
gnomAD v4.1: 23 of 1,613,198 alleles (0.0014%); highest among the groups gnomAD compares: South Asian, 0.0044%; no homozygotes.

Submissions (3):

GeneDx
Classification: Pathogenic. Last evaluated: 2024-12-11. Review status: criteria provided, single submitter. Criteria: GeneDx Variant Classification Process June 2021. Collection method: clinical testing. Allele origin: germline. Affected: yes.
Comment: Observed in trans with a submicroscopic deletion in an individual with congenital disorder of glycosylation type II (PMID: 19494034); Published functional studies demonstrate a damaging effect on glycosylation (PMID: 19651599, 34603392); Not observed at significant frequency in large population cohorts (gnomAD); In silico analysis supports that this missense variant has a deleterious effect on protein structure/function; Also known as R729W; This variant is associated with the following publications: (PMID: 34426522, 32064623, 31589614, 34603392, 32730773, 19494034, 19651599)

Laboratorio de Genetica e Diagnostico Molecular, Hospital Israelita Albert Einstein
Classification: Likely pathogenic. Last evaluated: 2019-11-29. Review status: criteria provided, single submitter. Criteria: ACMG Guidelines, 2015. Collection method: clinical testing. Allele origin: germline. Affected: yes.
Comment: ACMG classification criteria: PS3, PS4, PM2, PM3

OMIM
Classification: Pathogenic for CONGENITAL DISORDER OF GLYCOSYLATION, TYPE IIj. Last evaluated: 2009-09-01. Review status: no assertion criteria provided. Collection method: literature only. Allele origin: germline. Not counted in ClinVar's aggregate classification.

Literature cited by the submitters: PubMed 19494034 (cited by OMIM); PubMed 19651599 (cited by OMIM).